The following is an entry in ClinVar:

NM_004260.4(RECQL4):c.3421T>C (p.Cys1141Arg)

Gene: RECQL4 (RecQ like helicase 4; minus strand). Cytogenetic location: 8q24.3.
Variant type: single nucleotide variant.
Coding change: c.3421T>C on transcript NM_004260.4 (MANE Select); coding-DNA position 3421, T replaced by C.
Protein change: p.Cys1141Arg; replaces cysteine 1141 with arginine.
Molecular consequence: missense variant.
Genome position (GRCh38, 1-based): chr8:144,511,762, A>G on the plus strand (T>C on the coding strand, the complement: RECQL4 is on the minus strand). VCF-style: chr8-144511762-A-G. GRCh37 (hg19) VCF-style: chr8-145737145-A-G.
Other names: short protein forms C1141R.
Identifiers: ClinVar variation 135155 (VCV000135155.6), dbSNP rs587778647, ClinGen allele CA161867.

ClinVar aggregate classification (germline): Uncertain significance. Review status: criteria provided, single submitter (1 of 4 stars). 2 submissions from 2 submitters: Uncertain significance (1). 1 of the submissions does not count toward it. Last evaluated 2023-01-06.

Conditions:
Baller-Gerold syndrome (BGS). Also called: CRANIOSYNOSTOSIS WITH RADIAL DEFECTS. Identifiers: Orphanet 1225, MedGen C0265308, MONDO:0009039, OMIM 218600.

Allele frequency attached by ClinVar (database versions not stated): gnomAD exomes below 0.00001.

Submissions (2):

Labcorp Genetics (formerly Invitae), Labcorp
Classification: Uncertain significance for Baller-Gerold syndrome. Last evaluated: 2023-01-06. Review status: criteria provided, single submitter. Criteria: Invitae Variant Classification Sherloc (09022015). Collection method: clinical testing. Allele origin: germline.
Comment: In summary, the available evidence is currently insufficient to determine the role of this variant in disease. Therefore, it has been classified as a Variant of Uncertain Significance. Advanced modeling of protein sequence and biophysical properties (such as structural, functional, and spatial information, amino acid conservation, physicochemical variation, residue mobility, and thermodynamic stability) performed at Invitae indicates that this missense variant is not expected to disrupt RECQL4 protein function. ClinVar contains an entry for this variant (Variation ID: 135155). This variant has not been reported in the literature in individuals affected with RECQL4-related conditions. This variant is not present in population databases (gnomAD no frequency). This sequence change replaces cysteine, which is neutral and slightly polar, with arginine, which is basic and polar, at codon 1141 of the RECQL4 protein (p.Cys1141Arg).

ITMI
No classification provided. Condition: AllHighlyPenetrant. Last evaluated: 2013-09-19. Review status: no classification provided. Collection method: reference population. Allele origin: germline. Not counted in ClinVar's aggregate classification.
Comment: Please see associated publication for description of ethnicities

Literature cited by the submitters: PubMed 24728327 (cited by ITMI).